The following is an entry in ClinVar:

NM_000143.4(FH):c.137G>A (p.Ser46Asn)

Gene: FH (fumarate hydratase; minus strand). Cytogenetic location: 1q43.
Variant type: single nucleotide variant.
Coding change: c.137G>A on transcript NM_000143.4 (MANE Select); coding-DNA position 137, G replaced by A.
Protein change: p.Ser46Asn; replaces serine 46 with asparagine.
Molecular consequence: missense variant.
Genome position (GRCh38, 1-based): chr1:241,517,312, C>T on the plus strand (G>A on the coding strand, the complement: FH is on the minus strand). VCF-style: chr1-241517312-C-T. GRCh37 (hg19) VCF-style: chr1-241680612-C-T.
Other names: short protein forms S46N.
Identifiers: ClinVar variation 4024836 (VCV004024836.1).

ClinVar aggregate classification (germline): Uncertain significance (1 of 4 stars; one submission).

Conditions:
Hereditary cancer-predisposing syndrome. Also called: Tumor predisposition; Hereditary neoplastic syndrome; Neoplastic Syndromes, Hereditary; Hereditary Cancer Syndrome. Identifiers: Orphanet 140162, MedGen C0027672, MeSH D009386, MONDO:0015356.

gnomAD v4.1: 3 of 1,613,990 alleles (0.00019%); highest among the groups gnomAD compares: Non-Finnish European, 0.000085%; no homozygotes.

Submission:

Ambry Genetics
Classification: Uncertain significance for Hereditary cancer-predisposing syndrome. Last evaluated: 2025-05-19. Review status: criteria provided, single submitter. Criteria: Ambry Variant Classification Scheme 2023. Collection method: clinical testing. Allele origin: germline.
Comment: The p.S46N variant (also known as c.137G>A), located in coding exon 2 of the FH gene, results from a G to A substitution at nucleotide position 137. The serine at codon 46 is replaced by asparagine, an amino acid with highly similar properties. This amino acid position is conserved. In addition, the in silico prediction for this alteration is inconclusive. Based on the available evidence, the clinical significance of this variant remains unclear.